The following is an entry in ClinVar:

ClinVar aggregate classification (germline): Uncertain significance (1 of 4 stars; one submission).

Conditions:
AGK-related disorder. Also called: AGK-related condition; AGK-related disorders. Identifiers: MedGen CN239194.

gnomAD v4.1: 2 of 1,613,078 alleles (0.00012%); highest among the groups gnomAD compares: African/African-American, 0.0013%; no homozygotes.

Submission:

PreventionGenetics, part of Exact Sciences
Classification: Uncertain significance for AGK-related condition. Last evaluated: 2025-08-18. Review status: criteria provided, single submitter. Criteria: ACMG Guidelines, 2015. Collection method: clinical testing. Allele origin: germline.
Comment: The AGK c.263T>C variant is predicted to result in the amino acid substitution p.Leu88Ser. To our knowledge, this variant has not been reported in the literature. This variant is reported in 0.0040% of alleles in individuals of African descent in gnomAD. At this time, the clinical significance of this variant is uncertain due to the absence of conclusive functional and genetic evidence.

NM_018238.4(AGK):c.263T>C (p.Leu88Ser)

Gene: AGK (acylglycerol kinase; plus strand). Cytogenetic location: 7q34.
Variant type: single nucleotide variant.
Coding change: c.263T>C on transcript NM_018238.4 (MANE Select); coding-DNA position 263, T replaced by C.
Protein change: p.Leu88Ser; replaces leucine 88 with serine.
Molecular consequence: missense variant.
Genome position (GRCh38, 1-based): chr7:141,601,246, T>C. VCF-style: chr7-141601246-T-C. GRCh37 (hg19) VCF-style: chr7-141301046-T-C.
Other names: c.263T>C, p.Leu88Ser (NM_001364948.3); short protein forms L88S.
Identifiers: ClinVar variation 4992221 (VCV004992221.1).